The following is an entry in ClinVar:

NM_000141.5(FGFR2):c.*111G>A

Gene: FGFR2 (fibroblast growth factor receptor 2; minus strand). Cytogenetic location: 10q26.13.
Variant type: single nucleotide variant.
Coding change: c.*111G>A on transcript NM_000141.5 (MANE Select); 111 bases downstream of the stop codon, G replaced by A.
Molecular consequence: 3 prime UTR variant. On other transcripts: non-coding transcript variant (1), intron variant (1).
Genome position (GRCh38, 1-based): chr10:121,479,746, C>T on the plus strand (G>A on the coding strand, the complement: FGFR2 is on the minus strand). VCF-style: chr10-121479746-C-T. GRCh37 (hg19) VCF-style: chr10-123239260-C-T.
Other names: c.*111G>A (NM_001144914.1, NM_001144916.2, NM_001144917.2 and 5 more transcripts); c.2035-76G>A (NM_001144915.2).
Identifiers: ClinVar variation 298994 (VCV000298994.29), dbSNP rs574474794, ClinGen allele CA10628108.

ClinVar aggregate classification (germline): Conflicting classifications of pathogenicity. Review status: criteria provided, conflicting classifications (1 of 4 stars). 6 submissions from 2 submitters: Uncertain significance (1); Benign (5). Last evaluated 2022-08-01.

Conditions:
Craniosynostosis syndrome. Also called: Craniosynostosis. Identifiers: Orphanet 1531, MedGen C0010278, MeSH D003398, MONDO:0015469, HP:0001363.
Isolated Coronal Synostosis. Identifiers: MedGen CN043619.
Beare-Stevenson cutis gyrata syndrome (BSTVS). Identifiers: Orphanet 1555, MedGen C1852406, MONDO:0007412, OMIM 123790.
Crouzon syndrome. Also called: Craniofacial dysostosis; CRANIOFACIAL DYSOSTOSIS, TYPE I; Craniofacial dysostosis type 1; Crouzon craniofacial dysostosis; Crouzon disease. Identifiers: Orphanet 207, MedGen C0010273, MeSH D003394, MONDO:0007405, OMIM 123500, HP:0004439.
Saethre-Chotzen syndrome (SCS). Also called: ACROCEPHALY, SKULL ASYMMETRY, AND MILD SYNDACTYLY; ACS III; CHOTZEN SYNDROME. Identifiers: Orphanet 794, MedGen C0175699, MONDO:0007042, OMIM 101400.

Allele frequency attached by ClinVar (database versions not stated): 1000 Genomes Project 0.00060; 1000 Genomes Project 30x 0.00062; gnomAD 0.00157 and 0.00164; TOPMed 0.00160; gnomAD exomes 0.00256.
gnomAD v4.1: 3,930 of 1,612,686 alleles (0.24%); highest among the groups gnomAD compares: Non-Finnish European, 0.3%; 6 homozygotes.

Submissions (6):

CeGaT Center for Human Genetics Tuebingen
Classification: Benign. Last evaluated: 2022-08-01. Review status: criteria provided, single submitter. Criteria: CeGaT Center For Human Genetics Tuebingen Variant Classification Criteria Version 2. Collection method: clinical testing. Allele origin: germline. Affected: yes. Observed: 2 variant alleles.
Comment: FGFR2: BS1, BS2

Illumina Laboratory Services, Illumina
Classification: Benign for Craniosynostosis. Last evaluated: 2018-01-12. Review status: criteria provided, single submitter. Criteria: ICSL Variant Classification Criteria 13 December 2019. Collection method: clinical testing. Allele origin: germline.
Comment: This variant was observed in the ICSL laboratory as part of a predisposition screen in an ostensibly healthy population. It had not been previously curated by ICSL or reported in the Human Gene Mutation Database (HGMD: prior to June 1st, 2018), and was therefore a candidate for classification through an automated scoring system. Utilizing variant allele frequency, disease prevalence and penetrance estimates, and inheritance mode, an automated score was calculated to assess if this variant is too frequent to cause the disease. Based on the score and internal cut-off values, a variant classified as benign is not then subjected to further curation. The score for this variant resulted in a classification of benign for this disease.

Illumina Laboratory Services, Illumina
Classification: Benign for Saethre-Chotzen syndrome. Last evaluated: 2018-01-12. Review status: criteria provided, single submitter. Criteria: ICSL Variant Classification Criteria 13 December 2019. Collection method: clinical testing. Allele origin: germline.
Comment: the same text as in the submission from Illumina Laboratory Services, Illumina above.

Illumina Laboratory Services, Illumina
Classification: Benign for Crouzon syndrome. Last evaluated: 2018-01-12. Review status: criteria provided, single submitter. Criteria: ICSL Variant Classification Criteria 13 December 2019. Collection method: clinical testing. Allele origin: germline.
Comment: the same text as in the submission from Illumina Laboratory Services, Illumina above.

Illumina Laboratory Services, Illumina
Classification: Uncertain significance for Isolated coronal synostosis. Last evaluated: 2018-01-12. Review status: criteria provided, single submitter. Criteria: ICSL Variant Classification Criteria 13 December 2019. Collection method: clinical testing. Allele origin: germline.

Illumina Laboratory Services, Illumina
Classification: Benign for Beare-Stevenson cutis gyrata syndrome. Last evaluated: 2018-01-12. Review status: criteria provided, single submitter. Criteria: ICSL Variant Classification Criteria 13 December 2019. Collection method: clinical testing. Allele origin: germline.
Comment: the same text as in the submission from Illumina Laboratory Services, Illumina above.